The following is an entry in ClinVar:

NM_000548.5(TSC2):c.3610+226C>T

Gene: TSC2 (TSC complex subunit 2; plus strand). Cytogenetic location: 16p13.3.
Variant type: single nucleotide variant.
Coding change: c.3610+226C>T on transcript NM_000548.5 (MANE Select); 226 bases into the intron after coding-DNA position 3610, C replaced by T.
Molecular consequence: intron variant.
Genome position (GRCh38, 1-based): chr16:2,080,603, C>T. VCF-style: chr16-2080603-C-T. GRCh37 (hg19) VCF-style: chr16-2130604-C-T.
Other names: c.3610+226C>T (NM_001114382.3); c.3481+226C>T (NM_021055.3, NM_001370405.1, NM_001363528.2); c.3478+226C>T (NM_001370404.1, NM_001077183.3); c.3370+226C>T (NM_001318827.2); c.2878+226C>T (NM_001318831.2); c.3334+226C>T (NM_001318829.2); c.3511+226C>T (NM_001318832.2).
Identifiers: ClinVar variation 672295 (VCV000672295.1), dbSNP rs182662506, ClinGen allele CA14323207.

ClinVar aggregate classification (germline): Likely benign (1 of 4 stars; one submission).

Allele frequency attached by ClinVar (database versions not stated): 1000 Genomes Project 30x 0.00578; 1000 Genomes Project 0.00639; TOPMed 0.00832.
gnomAD v4.1: 6,054 of 573,472 alleles (1.1%); highest among the groups gnomAD compares: Non-Finnish European, 1.3%; 57 homozygotes.

Submission:

GeneDx
Classification: Likely benign. Last evaluated: 2018-06-14. Review status: criteria provided, single submitter. Criteria: GeneDx Variant Classification (06012015). Collection method: clinical testing. Allele origin: germline. Affected: yes.
Comment: This variant is considered likely benign or benign based on one or more of the following criteria: it is a conservative change, it occurs at a poorly conserved position in the protein, it is predicted to be benign by multiple in silico algorithms, and/or has population frequency not consistent with disease.